The following is an entry in ClinVar:

ClinVar aggregate classification (germline): Uncertain significance (1 of 4 stars; one submission).

Submission:

GeneDx
Classification: Uncertain significance. Last evaluated: 2025-03-29. Review status: criteria provided, single submitter. Criteria: GeneDx Variant Classification Process June 2021. Collection method: clinical testing. Allele origin: germline. Affected: yes.
Comment: Not observed at significant frequency in large population cohorts (gnomAD); In silico analysis indicates that this missense variant does not alter protein structure/function; Has not been previously published as pathogenic or benign to our knowledge

NM_024757.5(EHMT1):c.2069C>A (p.Ser690Tyr)

Gene: EHMT1 (euchromatic histone lysine methyltransferase 1; plus strand). Cytogenetic location: 9q34.3.
Variant type: single nucleotide variant.
Coding change: c.2069C>A on transcript NM_024757.5 (MANE Select); coding-DNA position 2069, C replaced by A.
Protein change: p.Ser690Tyr; replaces serine 690 with tyrosine.
Molecular consequence: missense variant.
Genome position (GRCh38, 1-based): chr9:137,777,932, C>A. VCF-style: chr9-137777932-C-A. GRCh37 (hg19) VCF-style: chr9-140672384-C-A.
Other names: c.2069C>A, p.Ser690Tyr (NM_001145527.2); c.1976C>A, p.Ser659Tyr (NM_001354259.2); c.2048C>A, p.Ser683Tyr (NM_001354263.2); short protein forms S659Y, S683Y, S690Y.
Identifiers: ClinVar variation 4278683 (VCV004278683.1).
Genomic context (GRCh38, chr9:137,777,932, plus strand): 5'-TCCCCTGAAGTGCTGCCGGGCCACCACTCTCGGAGGACGACAAGCTGCAGGGTGCAGCCT[C>A]CCACGTGCCCGAGGGCTTTGATCCAACGGGACCTGCTGGGCTTGGGAGGCCAACTCCCGG-3'
Protein context (NP_079033.4, residues 680-700): SEDDKLQGAA[Ser690Tyr]HVPEGFDPTG